The following is an entry in ClinVar:

ClinVar aggregate classification (germline): Uncertain significance (1 of 4 stars; one submission).

Conditions:
Cardiovascular phenotype. Identifiers: MedGen CN230736.

Allele frequency attached by ClinVar (database versions not stated): gnomAD exomes below 0.00001; ExAC 0.00001.
gnomAD v4.1: 1 of 1,613,992 alleles (0.000062%); highest among the groups gnomAD compares: South Asian, 0.0011%; no homozygotes.

Submissions (2):

Ambry Genetics
Classification: Uncertain significance for Cardiovascular phenotype. Last evaluated: 2019-11-19. Review status: criteria provided, single submitter. Criteria: Ambry Variant Classification Scheme 2023. Collection method: clinical testing. Allele origin: germline.
Comment: The c.726+1G>A intronic variant results from a G to A substitution one nucleotide after coding exon 5 of the DSP gene. This nucleotide position is highly conserved in available vertebrate species. Using the BDGP and ESEfinder splice site prediction tools, this alteration is predicted to abolish the native splice donor site; however, direct evidence is unavailable. Alterations that disrupt the canonical splice site are expected to cause aberrant splicing, resulting in an abnormal protein or a transcript that is subject to nonsense-mediated mRNA decay; however, a predicted consequence of this alteration would be skipping of coding exon 5, an in-frame exon composed of only 43 amino acids, that may not trigger nonsense mediated decay. The exact functional impact of skipping of exon 5 is unknown at this time. Since supporting evidence is limited at this time, the clinical significance of this alteration remains unclear.

Dr. Peter K. Rogan Lab, Western University
No classification provided (evidence only). Condition: Pancreatic adenocarcinoma. Review status: no classification provided. Collection method: in vitro. Allele origin: not applicable. Functional consequence: skipped exon, retained intron. Not counted in ClinVar's aggregate classification.

NM_004415.4(DSP):c.726+1G>A

Gene: DSP (desmoplakin; plus strand). Cytogenetic location: 6p24.3.
Variant type: single nucleotide variant.
Coding change: c.726+1G>A on transcript NM_004415.4 (MANE Select); the canonical splice donor site of the intron after coding-DNA position 726, G replaced by A.
Molecular consequence: splice donor variant.
Genome position (GRCh38, 1-based): chr6:7,562,781, G>A. VCF-style: chr6-7562781-G-A. GRCh37 (hg19) VCF-style: chr6-7563014-G-A.
Other names: NC_000006.11:g.7563014G>A; c.726+1G>A (NM_001319034.2, NM_001008844.3, NM_001406591.1).
Identifiers: ClinVar variation 1757964 (VCV001757964.3), dbSNP rs111295218, ClinGen allele CA049360.